The following is an entry in ClinVar:

ClinVar aggregate classification (germline): Likely benign. Review status: criteria provided, multiple submitters, no conflicts (2 of 4 stars). 7 submissions from 7 submitters: Likely benign (7). Last evaluated 2026-01-19.

Conditions:
TTN-related disorder. Also called: TTN-related condition; TTN-related disease; TTN-related disorders.
Autosomal recessive limb-girdle muscular dystrophy type 2J (LGMDR10). Also called: Limb-girdle muscular dystrophy, type 2J; MUSCULAR DYSTROPHY, LIMB-GIRDLE, AUTOSOMAL RECESSIVE 10. Identifiers: Orphanet 140922, MedGen C1837342, MONDO:0012127, OMIM 608807.
Dilated cardiomyopathy 1G (CMD1G). Identifiers: Orphanet 154, MedGen C1858763, MONDO:0011400, OMIM 604145.
Early-onset myopathy with fatal cardiomyopathy (CMYO5). Also called: CONGENITAL MYOPATHY 5 WITH CARDIOMYOPATHY; Salih Myopathy. Identifiers: Orphanet 289377, MedGen C2673677, MONDO:0012714, OMIM 611705. Disease mechanism: loss of function.
Hypertrophic cardiomyopathy 9. Also called: Familial hypertrophic cardiomyopathy 9. Identifiers: MedGen C1861065, MONDO:0013412, OMIM 613765.
Tibial muscular dystrophy (TMD). Also called: Tibial muscular dystrophy, tardive; Udd Distal Myopathy – Tibial Muscular Dystrophy; UDD MYOPATHY. Identifiers: Orphanet 609, MedGen C1838244, MONDO:0010870, OMIM 600334.
Myopathy, myofibrillar, 9, with early respiratory failure (MFM9). Also called: Myopathy, distal, with early respiratory failure, autosomal dominant; Hereditary myopathy with early respiratory failure; MYOPATHY, PROXIMAL, WITH EARLY RESPIRATORY MUSCLE INVOLVEMENT; EDSTROM MYOPATHY. Identifiers: Orphanet 178464, Orphanet 34521, MedGen C1863599, MONDO:0011362, OMIM 603689.

Allele frequency attached by ClinVar (database versions not stated): gnomAD exomes 0.00002; ExAC 0.00003; TOPMed 0.00012; gnomAD 0.00013 and 0.00014; ESP Exome Variant Server 0.00025.
gnomAD v4.1: 229 of 1,613,546 alleles (0.014%); highest among the groups gnomAD compares: Non-Finnish European, 0.019%; no homozygotes.

Submissions (7):

Labcorp Genetics (formerly Invitae), Labcorp
Classification: Likely benign for Dilated cardiomyopathy 1G; Autosomal recessive limb-girdle muscular dystrophy type 2J. Last evaluated: 2026-01-19. Review status: criteria provided, single submitter. Criteria: Invitae Variant Classification Sherloc (09022015). Collection method: clinical testing. Allele origin: germline.

Women's Health and Genetics/Laboratory Corporation of America, LabCorp
Classification: Likely benign. Last evaluated: 2025-12-19. Review status: criteria provided, single submitter. Criteria: LabCorp Variant Classification Summary - May 2015. Collection method: clinical testing. Allele origin: germline.

PreventionGenetics, part of Exact Sciences
Classification: Likely benign for TTN-related condition. Last evaluated: 2025-07-15. Review status: criteria provided, single submitter. Criteria: ACMG Guidelines, 2015. Collection method: clinical testing. Allele origin: germline.
Comment: This variant is classified as likely benign based on ACMG/AMP sequence variant interpretation guidelines (Richards et al. 2015 PMID: 25741868, with internal and published modifications).

CeGaT Center for Human Genetics Tuebingen
Classification: Likely benign. Last evaluated: 2024-07-01. Review status: criteria provided, single submitter. Criteria: CeGaT Center For Human Genetics Tuebingen Variant Classification Criteria Version 2. Collection method: clinical testing. Allele origin: germline. Affected: yes. Observed: 1 variant allele.
Comment: TTN: BP4, BP7

Revvity Omics, Revvity
Classification: Likely benign. Last evaluated: 2023-09-04. Review status: criteria provided, single submitter. Criteria: ACMG Guidelines, 2015. Collection method: clinical testing. Allele origin: germline.

Fulgent Genetics
Classification: Likely benign for Tibial muscular dystrophy; Myopathy, myofibrillar, 9, with early respiratory failure; Dilated cardiomyopathy 1G; Autosomal recessive limb-girdle muscular dystrophy type 2J; Early-onset myopathy with fatal cardiomyopathy; Hypertrophic cardiomyopathy 9. Last evaluated: 2021-10-14. Review status: criteria provided, single submitter. Criteria: ACMG Guidelines, 2015. Collection method: clinical testing. Allele origin: unknown.

GeneDx
Classification: Likely benign. Last evaluated: 2017-08-30. Review status: criteria provided, single submitter. Criteria: GeneDx Variant Classification (06012015). Collection method: clinical testing. Allele origin: germline. Affected: yes.
Comment: This variant is considered likely benign or benign based on one or more of the following criteria: it is a conservative change, it occurs at a poorly conserved position in the protein, it is predicted to be benign by multiple in silico algorithms, and/or has population frequency not consistent with disease.

NM_001267550.2(TTN):c.15333C>T (p.Asp5111=)

Gene: TTN (titin; minus strand). Cytogenetic location: 2q31.2.
Variant type: single nucleotide variant.
Coding change: c.15333C>T on transcript NM_001267550.2 (MANE Select); coding-DNA position 15333, C replaced by T.
Protein change: p.Asp5111=; no amino-acid change (aspartic acid 5111 retained).
Molecular consequence: synonymous variant. On other transcripts: intron variant (3).
Genome position (GRCh38, 1-based): chr2:178,734,491, G>A on the plus strand (C>T on the coding strand, the complement: TTN is on the minus strand). VCF-style: chr2-178734491-G-A. GRCh37 (hg19) VCF-style: chr2-179599218-G-A.
Other names: c.14382C>T, p.Asp4794= (NM_001256850.1); c.11601C>T, p.Asp3867= (NM_133378.4); c.13282+3591C>T (NM_003319.4); c.13858+3591C>T (NM_133437.4); c.13657+3591C>T (NM_133432.3).
Identifiers: ClinVar variation 389156 (VCV000389156.34), dbSNP rs368695667, ClinGen allele CA2002243.